The following is an entry in ClinVar:

ClinVar aggregate classification (germline): Conflicting classifications of pathogenicity. Review status: criteria provided, conflicting classifications (1 of 4 stars). 3 submissions from 3 submitters: Uncertain significance (1); Likely benign (2). Last evaluated 2025-03-31.

Conditions:
Cardiovascular phenotype. Identifiers: MedGen CN230736.
Arrhythmogenic cardiomyopathy with wooly hair and keratoderma. Also called: PALMOPLANTAR KERATODERMA WITH LEFT VENTRICULAR CARDIOMYOPATHY AND WOOLLY HAIR; Carvajal syndrome; Arrhythmogenic cardiomyopathy with woolly hair and keratoderma; Dilated cardiomyopathy with woolly hair and keratoderma. Identifiers: Orphanet 65282, MedGen C1854063, MONDO:0011581, OMIM 605676.
Arrhythmogenic right ventricular dysplasia 8 (ARVD8). Also called: Arrhythmogenic Right Ventricular Dysplasia/Cardiomyopathy 8; ARRHYTHMOGENIC RIGHT VENTRICULAR DYSPLASIA, FAMILIAL, 8; ARRHYTHMOGENIC RIGHT VENTRICULAR CARDIOMYOPATHY 8. Identifiers: MedGen C1843896, MONDO:0011831, OMIM 607450.
Cardiomyopathy (CMYO). Also called: Cardiomyopathies. Identifiers: Orphanet 167848, MedGen C0878544, MONDO:0004994, HP:0001638. Inheritance: Various modes of inheritance.

Allele frequency attached by ClinVar (database versions not stated): gnomAD exomes below 0.00001.
gnomAD v4.1: 2 of 1,614,158 alleles (0.00012%); highest among the groups gnomAD compares: East Asian, 0.0022%; no homozygotes.

Submissions (3):

Color Diagnostics, LLC DBA Color Health
Classification: Likely benign for Cardiomyopathy. Last evaluated: 2025-03-31. Review status: criteria provided, single submitter. Criteria: ACMG Guidelines, 2015. Collection method: clinical testing. Allele origin: germline.

Labcorp Genetics (formerly Invitae), Labcorp
Classification: Likely benign for Arrhythmogenic cardiomyopathy with wooly hair and keratoderma; Arrhythmogenic right ventricular dysplasia 8. Last evaluated: 2023-08-09. Review status: criteria provided, single submitter. Criteria: Invitae Variant Classification Sherloc (09022015). Collection method: clinical testing. Allele origin: germline.

Ambry Genetics
Classification: Uncertain significance for Cardiovascular phenotype. Last evaluated: 2022-05-17. Review status: criteria provided, single submitter. Criteria: Ambry Variant Classification Scheme 2023. Collection method: clinical testing. Allele origin: germline.
Comment: The p.R790K variant (also known as c.2369G>A), located in coding exon 17 of the DSP gene, results from a G to A substitution at nucleotide position 2369. The arginine at codon 790 is replaced by lysine, an amino acid with highly similar properties. This amino acid position is conserved. In addition, the in silico prediction for this alteration is inconclusive. Since supporting evidence is limited at this time, the clinical significance of this alteration remains unclear.

NM_004415.4(DSP):c.2369G>A (p.Arg790Lys)

Gene: DSP (desmoplakin; plus strand). Cytogenetic location: 6p24.3.
Variant type: single nucleotide variant.
Coding change: c.2369G>A on transcript NM_004415.4 (MANE Select); coding-DNA position 2369, G replaced by A.
Protein change: p.Arg790Lys; replaces arginine 790 with lysine.
Molecular consequence: missense variant.
Genome position (GRCh38, 1-based): chr6:7,574,728, G>A. VCF-style: chr6-7574728-G-A. GRCh37 (hg19) VCF-style: chr6-7574961-G-A.
Other names: c.2369G>A, p.Arg790Lys (NM_001008844.3, NM_001319034.2); short protein forms R790K.
Identifiers: ClinVar variation 1790255 (VCV001790255.6), dbSNP rs1343729760, ClinGen allele CA362681172.